The following is an entry in ClinVar:

ClinVar aggregate classification (germline): Likely pathogenic (1 of 4 stars; one submission).

Conditions:
alpha Thalassemia. Also called: Alpha thalassemia spectrum. Identifiers: Orphanet 846, MedGen C0002312, MONDO:0011399, OMIM 604131.

Submission:

Natera, Inc.
Classification: Likely pathogenic for Alpha thalassemia. Last evaluated: 2025-10-31. Review status: criteria provided, single submitter. Criteria: Natera Variant Classification Schema (03/2026). Collection method: clinical testing. Allele origin: germline.
Comment: The c.305_308del variant in HBA1 is a frameshift variant predicted to shift the reading frame beginning at codon 102 and leads to a stop codon 6 codons downstream. This variant is expected to result in nonsense mediated decay, truncation, or a dysfunctional protein product. This variant is rare in the general population with a frequency below the threshold expected for the associated phenotype(s). Given the available evidence, this variant is classified as Likely Pathogenic.

NM_000558.5(HBA1):c.305_308del (p.Leu102fs)

Genes: HBA1 (hemoglobin subunit alpha 1; plus strand), LOC106804613 (hemoglobin subunit alpha 1 recombination region; plus strand). Cytogenetic location: 16p13.3.
Variant type: Deletion.
Coding change: c.305_308del on transcript NM_000558.5 (MANE Select); coding-DNA positions 305 to 308, 4 bases deleted (TAAG; older notation c.305_308delTAAG).
Protein change: p.Leu102fs; shifts the reading frame from leucine 102.
Molecular consequence: frameshift variant.
Genome position (GRCh38, 1-based): chr16:177,287-177,290, TAAG deleted. VCF-style (leftmost placement, unchanged base first): chr16-177286-CTAAG-C. GRCh37 (hg19) VCF-style: chr16-227285-CTAAG-C.
Other names: short protein forms L102fs.
Identifiers: ClinVar variation 4814399 (VCV004814399.1).
Genomic context (GRCh38, chr16:177,286, plus strand): 5'-GCAGGCGGCGGCTGCGGGCCTGGGCCCTCGGCCCCACTGACCCTCTTCTCTGCACAGCTC[CTAAG>C]CCACTGCCTGCTGGTGACCCTGGCCGCCCACCTCCCCGCCGAGTTCACCCCTGCGGTGCA-3'